The following is an entry in ClinVar:

ClinVar aggregate classification (germline): Uncertain significance (1 of 4 stars; one submission).

Conditions:
Hypertrophic cardiomyopathy. Also called: HYPERTROPHIC MYOCARDIOPATHY. Identifiers: Orphanet 217569, MedGen C0007194, MeSH D002312, MONDO:0005045, HP:0001639.

Allele frequency attached by ClinVar (database versions not stated): gnomAD exomes below 0.00001.
gnomAD v4.1: 1 of 1,614,010 alleles (0.000062%); highest among the groups gnomAD compares: Non-Finnish European, 0.000085%; no homozygotes.

Submission:

Labcorp Genetics (formerly Invitae), Labcorp
Classification: Uncertain significance for Hypertrophic cardiomyopathy. Last evaluated: 2021-07-31. Review status: criteria provided, single submitter. Criteria: Invitae Variant Classification Sherloc (09022015). Collection method: clinical testing. Allele origin: germline.
Comment: In summary, the available evidence is currently insufficient to determine the role of this variant in disease. Therefore, it has been classified as a Variant of Uncertain Significance. Algorithms developed to predict the effect of missense changes on protein structure and function output the following: SIFT: "Tolerated"; PolyPhen-2: "Benign"; Align-GVGD: "Class C0". The serine amino acid residue is found in multiple mammalian species, which suggests that this missense change does not adversely affect protein function. This variant has not been reported in the literature in individuals affected with MYBPC3-related conditions. This variant is not present in population databases (ExAC no frequency). This sequence change replaces proline with serine at codon 702 of the MYBPC3 protein (p.Pro702Ser). The proline residue is weakly conserved and there is a moderate physicochemical difference between proline and serine.

NM_000256.3(MYBPC3):c.2104C>T (p.Pro702Ser)

Gene: MYBPC3 (myosin binding protein C3; minus strand). Cytogenetic location: 11p11.2.
Variant type: single nucleotide variant.
Coding change: c.2104C>T on transcript NM_000256.3 (MANE Select); coding-DNA position 2104, C replaced by T.
Protein change: p.Pro702Ser; replaces proline 702 with serine.
Molecular consequence: missense variant.
Genome position (GRCh38, 1-based): chr11:47,339,368, G>A on the plus strand (C>T on the coding strand, the complement: MYBPC3 is on the minus strand). VCF-style: chr11-47339368-G-A. GRCh37 (hg19) VCF-style: chr11-47360919-G-A.
Other names: short protein forms P702S.
Identifiers: ClinVar variation 1397950 (VCV001397950.6), dbSNP rs2142857317, ClinGen allele CA380321000.
Genomic context (GRCh38, chr11:47,339,368, plus strand): 5'-CCTCAGTCTCACTCACCTTCTTGTCAAACACCCACTCATCGCTGTCACCTGTGTCCTCTG[G>A]GGCATCTGGGGCTGGCCTGGCTGGGGCCTTATTCCCCTGGGAACAGGGCAGGAGGGAAGT-3'
Protein context (NP_000247.2, residues 692-712): KAPARPAPDA[Pro702Ser]EDTGDSDEWV